The following is an entry in ClinVar:

ClinVar aggregate classification (germline): Benign. Review status: criteria provided, multiple submitters, no conflicts (2 of 4 stars). 2 submissions from 2 submitters: Benign (2). Last evaluated 2018-06-14.

Allele frequency attached by ClinVar (database versions not stated): gnomAD 0.02942 and 0.03016; TOPMed 0.03186; 1000 Genomes Project 0.03395; 1000 Genomes Project 30x 0.03560.

Submissions (2):

GeneDx
Classification: Benign. Last evaluated: 2018-06-14. Review status: criteria provided, single submitter. Criteria: GeneDx Variant Classification (06012015). Collection method: clinical testing. Allele origin: germline. Affected: yes.
Comment: This variant is considered likely benign or benign based on one or more of the following criteria: it is a conservative change, it occurs at a poorly conserved position in the protein, it is predicted to be benign by multiple in silico algorithms, and/or has population frequency not consistent with disease.

Breakthrough Genomics
Classification: Benign. Review status: criteria provided, single submitter. Criteria: ACMG Guidelines, 2015. Collection method: not provided. Allele origin: germline. Inheritance: Autosomal dominant inheritance. Affected: yes.

NM_001376.5(DYNC1H1):c.3565-108T>C

Gene: DYNC1H1 (dynein cytoplasmic 1 heavy chain 1; plus strand). Cytogenetic location: 14q32.31.
Variant type: single nucleotide variant.
Coding change: c.3565-108T>C on transcript NM_001376.5 (MANE Select); 108 bases into the intron before coding-DNA position 3565, T replaced by C.
Molecular consequence: intron variant.
Genome position (GRCh38, 1-based): chr14:101,996,927, T>C. VCF-style: chr14-101996927-T-C. GRCh37 (hg19) VCF-style: chr14-102463264-T-C.
Identifiers: ClinVar variation 675956 (VCV000675956.2), dbSNP rs17540922, ClinGen allele CA14045838.